The following is an entry in ClinVar:

NM_015386.3(COG4):c.370-2A>C

Gene: COG4 (component of oligomeric golgi complex 4; minus strand). Cytogenetic location: 16q22.1.
Variant type: single nucleotide variant.
Coding change: c.370-2A>C on transcript NM_015386.3 (MANE Select); the canonical splice acceptor site of the intron before coding-DNA position 370, A replaced by C.
Molecular consequence: splice acceptor variant.
Genome position (GRCh38, 1-based): chr16:70,514,511, T>G on the plus strand (A>C on the coding strand, the complement: COG4 is on the minus strand). VCF-style: chr16-70514511-T-G. GRCh37 (hg19) VCF-style: chr16-70548414-T-G.
Other names: c.358-2A>C (NM_001195139.2); c.-57-2A>C (NM_001365426.1).
Identifiers: ClinVar variation 4884064 (VCV004884064.2).

ClinVar aggregate classification (germline): Likely pathogenic (1 of 4 stars; one submission).

Submission:

Dasa
Classification: Likely pathogenic. Last evaluated: 2025-10-15. Review status: criteria provided, single submitter. Criteria: DASA Assertion Criteria. Collection method: clinical testing. Allele origin: germline.
Comment: NM_015386.3(COG4):c.370-2A>C affects a canonical splice site and is predicted to disrupt normal RNA splicing. Loss of function is an established disease mechanism for COG4-associated disorders. Also, this variant is absent from population databases. Based on the currently available evidence, this variant is classified as likely pathogenic.